The following is an entry in ClinVar:

NM_002241.5(KCNJ10):c.889C>T (p.Arg297Cys)

Gene: KCNJ10 (potassium inwardly rectifying channel subfamily J member 10; minus strand). Cytogenetic location: 1q23.2.
Variant type: single nucleotide variant.
Coding change: c.889C>T on transcript NM_002241.5 (MANE Select); coding-DNA position 889, C replaced by T.
Protein change: p.Arg297Cys; replaces arginine 297 with cysteine.
Molecular consequence: missense variant.
Genome position (GRCh38, 1-based): chr1:160,041,644, G>A on the plus strand (C>T on the coding strand, the complement: KCNJ10 is on the minus strand). VCF-style: chr1-160041644-G-A. GRCh37 (hg19) VCF-style: chr1-160011434-G-A.
Other names: short protein forms R297C.
Identifiers: ClinVar variation 7467 (VCV000007467.16), dbSNP rs137853071, ClinGen allele CA118813.

ClinVar aggregate classification (germline): Pathogenic/Likely pathogenic. Review status: criteria provided, multiple submitters, no conflicts (2 of 4 stars). 8 submissions from 8 submitters: Pathogenic (6); Likely pathogenic (1). 1 of the submissions does not count toward it. Last evaluated 2026-07-01.

Conditions:
Pendred syndrome (PDS). Also called: GOITER-DEAFNESS SYNDROME; THYROID DYSHORMONOGENESIS 2B; THYROID HORMONOGENESIS, GENETIC DEFECT IN, 2B; DEAFNESS WITH GOITER; HYPOTHYROIDISM, CONGENITAL, DUE TO DYSHORMONOGENESIS, 2B; Pendred's syndrome. Identifiers: Orphanet 705, MedGen C0271829, MONDO:0010134, OMIM 274600.
EAST syndrome (SESAMES). Also called: SEIZURES, SENSORINEURAL DEAFNESS, ATAXIA, IMPAIRED INTELLECTUAL DEVELOPMENT, AND ELECTROLYTE IMBALANCE. Identifiers: Orphanet 199343, MedGen C2748572, MONDO:0013005, OMIM 612780.
Autosomal recessive nonsyndromic hearing loss 4 (DFNB4). Also called: FOXI1-Related Pendred Syndrome; KCNJ10-Related Pendred Syndrome; Deafness, autosomal recessive 4; DEAFNESS, AUTOSOMAL RECESSIVE 4, WITH ENLARGED VESTIBULAR AQUEDUCT, DIGENIC; Enlarged vestibular aqueduct, digenic; NEUROSENSORY NONSYNDROMIC RECESSIVE DEAFNESS 4. Identifiers: Orphanet 90636, MedGen C3538946, MONDO:0010933, OMIM 600791.

Allele frequency attached by ClinVar (database versions not stated): TOPMed below 0.00001; gnomAD exomes below 0.00001.
gnomAD v4.1: 7 of 1,614,120 alleles (0.00043%); highest among the groups gnomAD compares: East Asian, 0.0022%; no homozygotes.

Submissions (8):

CeGaT Center for Human Genetics Tuebingen
Classification: Pathogenic. Last evaluated: 2026-07-01. Review status: criteria provided, single submitter. Criteria: CeGaT Center For Human Genetics Tuebingen Variant Classification Criteria Version 2. Collection method: clinical testing. Allele origin: germline. Affected: yes. Observed: 1 variant allele.
Comment: KCNJ10: PS3, PM2, PM5, PM3:Supporting, PP3, PS4:Supporting

Labcorp Genetics (formerly Invitae), Labcorp
Classification: Pathogenic for EAST syndrome. Last evaluated: 2025-12-15. Review status: criteria provided, single submitter. Criteria: Invitae Variant Classification Sherloc (09022015). Collection method: clinical testing. Allele origin: germline.
Comment: This sequence change replaces arginine, which is basic and polar, with cysteine, which is neutral and slightly polar, at codon 297 of the KCNJ10 protein (p.Arg297Cys). This variant is present in population databases (rs137853071, gnomAD 0.003%). This missense change has been observed in individual(s) with SeSAME syndrome (PMID: 19289823, 21849804). In at least one individual the data is consistent with being in trans (on the opposite chromosome) from a pathogenic variant. It has also been observed to segregate with disease in related individuals. ClinVar contains an entry for this variant (Variation ID: 7467). Invitae Evidence Modeling of protein sequence and biophysical properties (such as structural, functional, and spatial information, amino acid conservation, physicochemical variation, residue mobility, and thermodynamic stability) indicates that this missense variant is expected to disrupt KCNJ10 protein function with a positive predictive value of 95%. Experimental studies have shown that this missense change affects KCNJ10 function (PMID: 20678478, 20807765, 21088294, 21849804). For these reasons, this variant has been classified as Pathogenic.

GeneDx
Classification: Pathogenic. Last evaluated: 2025-02-24. Review status: criteria provided, single submitter. Criteria: GeneDx Variant Classification Process June 2021. Collection method: clinical testing. Allele origin: germline. Affected: yes.
Comment: Published functional studies demonstrate a damaging effect with reduced surface expression (PMID: 20678478, 20807765); In silico analysis supports that this missense variant has a deleterious effect on protein structure/function; Not observed at significant frequency in large population cohorts (gnomAD); This variant is associated with the following publications: (PMID: 20807765, 21849804, 24561201, 31589614, 21300747, 23924083, 27129733, 21088294, 23922547, 25008907, 24193250, 20678478, 19289823)

Dasa
Classification: Pathogenic. Last evaluated: 2025-01-23. Review status: criteria provided, single submitter. Criteria: DASA Assertion Criteria. Collection method: clinical testing. Allele origin: germline.
Comment: NM_002241.5(KCNJ10):c.889C>T (p.Arg297Cys) is a missense variant that results in the substitution of arginine with cysteine. The affected residue or protein region has prior evidence supporting clinical relevance. This variant has been observed in affected individuals with related phenotype in a genotype context consistent with recessive disease (PMID: 23924083; PMID: 19289823; PMID: 28835827; PMID: 20678478; PMID: 23922547). Functional evidence supports a deleterious effect on the gene or gene product (PMID: 23924083; PMID: 19289823; PMID: 28835827; PMID: 20678478; PMID: 23922547). This variant has been recurrently observed in individuals with related phenotype (PMID: 23924083; PMID: 19289823; PMID: 28835827; PMID: 20678478; PMID: 23922547). The variant is present at low frequency in population datasets. Based on the available data, this variant is classified as pathogenic.

Fulgent Genetics
Classification: Likely pathogenic for Pendred syndrome; Autosomal recessive nonsyndromic hearing loss 4; EAST syndrome. Last evaluated: 2021-12-30. Review status: criteria provided, single submitter. Criteria: ACMG Guidelines, 2015. Collection method: clinical testing. Allele origin: unknown.

Baylor Genetics
Classification: Pathogenic for EAST syndrome. Last evaluated: 2020-07-31. Review status: criteria provided, single submitter. Criteria: ACMG Guidelines, 2015. Collection method: clinical testing. Allele origin: unknown. Affected: yes.
Comment: This variant was determined to be pathogenic according to ACMG Guidelines, 2015 [PMID:25741868].

Genetics and Genomic Medicine Centre, NeuroGen Healthcare, NeuroGen Healthcare
Classification: Pathogenic for EAST syndrome. Last evaluated: 2020-07-27. Review status: criteria provided, single submitter. Criteria: Submitter's publication. Collection method: clinical testing. Allele origin: unknown. Affected: no.

OMIM
Classification: Pathogenic for SEIZURES, SENSORINEURAL DEAFNESS, ATAXIA, IMPAIRED INTELLECTUAL DEVELOPMENT, AND ELECTROLYTE IMBALANCE. Last evaluated: 2011-01-01. Review status: no assertion criteria provided. Collection method: literature only. Allele origin: germline. Not counted in ClinVar's aggregate classification.

Literature cited by the submitters: PubMed 19289823 (cited by 3 submitters); PubMed 21849804 (cited by Labcorp Genetics (formerly Invitae), Labcorp and OMIM); PubMed 20678478 (cited by Labcorp Genetics (formerly Invitae), Labcorp and Dasa); PubMed 20807765 (cited by Labcorp Genetics (formerly Invitae), Labcorp and OMIM); PubMed 21088294 (cited by Labcorp Genetics (formerly Invitae), Labcorp); PubMed 23924083 (cited by Dasa); PubMed 28835827 (cited by Dasa); PubMed 23922547 (cited by Dasa); PubMed 30356026 (cited by Dasa).